The following is an entry in ClinVar:

ClinVar aggregate classification (germline): Uncertain significance (1 of 4 stars; one submission).

Allele frequency attached by ClinVar (database versions not stated): TOPMed below 0.00001; gnomAD 0.00001.

Submission:

GeneDx
Classification: Uncertain significance. Last evaluated: 2022-02-08. Review status: criteria provided, single submitter. Criteria: GeneDx Variant Classification Process June 2021. Collection method: clinical testing. Allele origin: germline. Affected: yes.
Comment: Not observed at significant frequency in large population cohorts (gnomAD); In silico analysis supports that this missense variant has a deleterious effect on protein structure/function; Has not been previously published as pathogenic or benign to our knowledge

NM_006160.4(NEUROD2):c.63G>C (p.Trp21Cys)

Gene: NEUROD2 (neuronal differentiation 2; minus strand). Cytogenetic location: 17q12.
Variant type: single nucleotide variant.
Coding change: c.63G>C on transcript NM_006160.4 (MANE Select); coding-DNA position 63, G replaced by C.
Protein change: p.Trp21Cys; replaces tryptophan 21 with cysteine.
Molecular consequence: missense variant.
Genome position (GRCh38, 1-based): chr17:39,606,537, C>G on the plus strand (G>C on the coding strand, the complement: NEUROD2 is on the minus strand). VCF-style: chr17-39606537-C-G. GRCh37 (hg19) VCF-style: chr17-37762790-C-G.
Other names: short protein forms W21C.
Identifiers: ClinVar variation 1700901 (VCV001700901.2), dbSNP rs1310425209, ClinGen allele CA399259281.